The following is an entry in ClinVar:

ClinVar aggregate classification (germline): Uncertain significance (1 of 4 stars; one submission).

Conditions:
Inborn genetic diseases. Identifiers: MedGen C0950123, MeSH D030342.

Allele frequency attached by ClinVar (database versions not stated): gnomAD exomes below 0.00001.
gnomAD v4.1: 1 of 1,613,890 alleles (0.000062%); highest among the groups gnomAD compares: Non-Finnish European, 0.000085%; no homozygotes.

Submission:

Ambry Genetics
Classification: Uncertain significance for Inborn genetic diseases. Last evaluated: 2022-06-02. Review status: criteria provided, single submitter. Criteria: Ambry Variant Classification Scheme 2023. Collection method: clinical testing. Allele origin: germline.
Comment: The p.S159N variant (also known as c.476G>A), located in coding exon 5 of the EPAS1 gene, results from a G to A substitution at nucleotide position 476. The serine at codon 159 is replaced by asparagine, an amino acid with highly similar properties. This amino acid position is conserved. In addition, this alteration is predicted to be tolerated by in silico analysis. Since supporting evidence is limited at this time, the clinical significance of this alteration remains unclear.

NM_001430.5(EPAS1):c.476G>A (p.Ser159Asn)

Genes: EPAS1 (endothelial PAS domain protein 1; plus strand), LOC126806210 (BRD4-independent group 4 enhancer GRCh37_chr2:46587586-46588785; plus strand). Cytogenetic location: 2p21.
Variant type: single nucleotide variant.
Coding change: c.476G>A on transcript NM_001430.5 (MANE Select); coding-DNA position 476, G replaced by A.
Protein change: p.Ser159Asn; replaces serine 159 with asparagine.
Molecular consequence: missense variant.
Genome position (GRCh38, 1-based): chr2:46,360,659, G>A. VCF-style: chr2-46360659-G-A. GRCh37 (hg19) VCF-style: chr2-46587798-G-A.
Other names: short protein forms S159N.
Identifiers: ClinVar variation 1742955 (VCV001742955.2), dbSNP rs1684366701, ClinGen allele CA346698989.